The following is an entry in ClinVar:

ClinVar aggregate classification (germline): Likely benign. Review status: criteria provided, multiple submitters, no conflicts (2 of 4 stars). 4 submissions from 4 submitters: Likely benign (3). 1 of the submissions does not count toward it. Last evaluated 2025-05-26.

Conditions:
TJP2-related disorder. Also called: TJP2-related condition.

Allele frequency attached by ClinVar (database versions not stated): ExAC 0.00001; gnomAD exomes 0.00001; TOPMed 0.00003; gnomAD 0.00005; ESP Exome Variant Server 0.00008.
gnomAD v4.1: 27 of 1,613,936 alleles (0.0017%); highest among the groups gnomAD compares: Admixed American, 0.005%; no homozygotes.

Submissions (4):

Labcorp Genetics (formerly Invitae), Labcorp
Classification: Likely benign. Last evaluated: 2025-05-26. Review status: criteria provided, single submitter. Criteria: Invitae Variant Classification Sherloc (09022015). Collection method: clinical testing. Allele origin: germline.

Blueprint Genetics
Classification: Likely benign. Last evaluated: 2024-05-20. Review status: criteria provided, single submitter. Criteria: ACMG Guidelines, 2015. Collection method: clinical testing. Allele origin: germline.

GeneDx
Classification: Likely benign. Last evaluated: 2017-12-27. Review status: criteria provided, single submitter. Criteria: GeneDx Variant Classification (06012015). Collection method: clinical testing. Allele origin: germline. Affected: yes.
Comment: This variant is considered likely benign or benign based on one or more of the following criteria: it is a conservative change, it occurs at a poorly conserved position in the protein, it is predicted to be benign by multiple in silico algorithms, and/or has population frequency not consistent with disease.

PreventionGenetics, part of Exact Sciences
Classification: Likely benign for TJP2-related condition. Last evaluated: 2022-07-15. Review status: no assertion criteria provided. Collection method: clinical testing. Allele origin: germline. Not counted in ClinVar's aggregate classification.
Comment: This variant is classified as likely benign based on ACMG/AMP sequence variant interpretation guidelines (Richards et al. 2015 PMID: 25741868, with internal and published modifications).

NM_004817.4(TJP2):c.3225C>T (p.Pro1075=)

Gene: TJP2 (tight junction protein 2; plus strand). Cytogenetic location: 9q21.11.
Variant type: single nucleotide variant.
Coding change: c.3225C>T on transcript NM_004817.4 (MANE Select); coding-DNA position 3225, C replaced by T.
Protein change: p.Pro1075=; no amino-acid change (proline 1075 retained).
Molecular consequence: synonymous variant. On other transcripts: intron variant (3).
Genome position (GRCh38, 1-based): chr9:69,251,268, C>T. VCF-style: chr9-69251268-C-T. GRCh37 (hg19) VCF-style: chr9-71866184-C-T.
Other names: c.3225C>T, p.Pro1075= (LRG_1201t1); c.3126C>T, p.Pro1042= (NM_001170415.1); c.3318C>T, p.Pro1106= (NM_001170416.2); c.3150C>T, p.Pro1050= (NM_001369870.1); c.3156C>T, p.Pro1052= (NM_001369871.1); c.3114C>T, p.Pro1038= (NM_001369872.1); c.2901C>T, p.Pro967= (NM_001369873.1); c.3237C>T, p.Pro1079= (NM_001369875.1); and 3 more.
Identifiers: ClinVar variation 513994 (VCV000513994.11), dbSNP rs146241989, ClinGen allele CA5073904.
Genomic context (GRCh38, chr9:69,251,268, plus strand): 5'-CATCCCTCCTCAAGAGGGTGAGGAGGTGGGAGAGAGCAGTGAGGAGCAAGATAATGCTCC[C>T]AAATCAGTCCTGGGCAAAGTCAAAATATTTGAGAAGATGGATCACAAGGCCAGGTTACAG-3'
Protein context (NP_004808.2, residues 1065-1085): GESSEEQDNA[Pro1075=]KSVLGKVKIF